The following is an entry in ClinVar:

NM_001384140.1(PCDH15):c.3502-14dup

Gene: PCDH15 (protocadherin related 15; minus strand). Cytogenetic location: 10q21.1.
Variant type: Duplication.
Coding change: c.3502-14dup on transcript NM_001384140.1 (MANE Select); 14 bases into the intron before coding-DNA position 3502, one base duplicated (T; older notation c.3502-14dupT).
Molecular consequence: intron variant.
Genome position (GRCh38, 1-based): chr10:53,866,871, A duplicated on the plus strand (T on the coding strand, the reverse complement: PCDH15 is on the minus strand); the first of 9 consecutive A bases (chr10:53,866,871-53,866,879); duplicating any one gives the same sequence. VCF-style (leftmost placement, unchanged base first): chr10-53866870-G-GA. GRCh37 (hg19) VCF-style: chr10-55626630-G-GA.
Other names: c.3502-14dupT (NM_033056.3); c.3502-14dup (NM_001354420.2, NM_001354429.2, NM_001142772.2 and 4 more transcripts); c.3517-14dup (NM_001142771.2, NM_001142763.2); c.3523-14dup (NM_001354411.2); c.3538-14dup (NM_001142769.3); c.3436-14dup (NM_001354404.2, NM_001142773.2, NM_001142768.2); c.3391-14dup (NM_001142767.2); c.3289-14dup (NM_001142765.2).
Identifiers: ClinVar variation 46468 (VCV000046468.16), dbSNP rs5785023, ClinGen allele CA138415.

ClinVar aggregate classification (germline): Benign. Review status: criteria provided, multiple submitters, no conflicts (2 of 4 stars). 7 submissions from 6 submitters: Benign (7). Last evaluated 2026-02-04.

Conditions:
Autosomal recessive nonsyndromic hearing loss 23. Identifiers: Orphanet 90636, MedGen C1836027, MONDO:0012293, OMIM 609533.
Usher syndrome type 1F (USH1F). Also called: USHER SYNDROME, TYPE IF. Identifiers: Orphanet 231169, Orphanet 886, MedGen C1865885, MONDO:0011186, OMIM 602083.

Submissions (7):

Labcorp Genetics (formerly Invitae), Labcorp
Classification: Benign. Last evaluated: 2026-02-04. Review status: criteria provided, single submitter. Criteria: Invitae Variant Classification Sherloc (09022015). Collection method: clinical testing. Allele origin: germline.

Blueprint Genetics
Classification: Benign. Last evaluated: 2024-11-27. Review status: criteria provided, single submitter. Criteria: ACMG Guidelines, 2015. Collection method: clinical testing. Allele origin: germline.

Genome-Nilou Lab
Classification: Benign for Usher syndrome type 1F. Last evaluated: 2021-09-05. Review status: criteria provided, single submitter. Criteria: ACMG Guidelines, 2015. Collection method: clinical testing. Allele origin: germline. Affected: no.

Genome-Nilou Lab
Classification: Benign for Autosomal recessive nonsyndromic hearing loss 23. Last evaluated: 2021-09-05. Review status: criteria provided, single submitter. Criteria: ACMG Guidelines, 2015. Collection method: clinical testing. Allele origin: germline. Affected: no.

GeneDx
Classification: Benign. Last evaluated: 2017-10-29. Review status: criteria provided, single submitter. Criteria: GeneDx Variant Classification (06012015). Collection method: clinical testing. Allele origin: germline. Affected: yes.
Comment: This variant is considered likely benign or benign based on one or more of the following criteria: it is a conservative change, it occurs at a poorly conserved position in the protein, it is predicted to be benign by multiple in silico algorithms, and/or has population frequency not consistent with disease.

Women's Health and Genetics/Laboratory Corporation of America, LabCorp
Classification: Benign. Last evaluated: 2017-08-11. Review status: criteria provided, single submitter. Criteria: LabCorp Variant Classification Summary - May 2015. Collection method: clinical testing. Allele origin: germline.
Comment: Variant summary: The PCDH15 c.3502-14dupT variant involves the duplication of an intronic nucleotide. One in silico tool predicts a benign outcome for this variant. 5/5 splice prediction tools predict no significant impact on normal splicing. However, these predictions have yet to be confirmed by functional studies. This variant was found in 29147/114904 control chromosomes (3844 homozygotes) at a frequency of 0.2536639, which is approximately 80 times the estimated maximal expected allele frequency of a pathogenic PCDH15 variant (0.0031623), strong evidence that this variant is a benign polymorphism. In addition, one clinical diagnostic laboratory/reputable database has classified this variant as benign. The variant of interest has not, to our knowledge, been reported in affected individuals via publications nor evaluated for functional impact by in vivo/vitro studies. Taken together, this variant is classified as benign.

Laboratory for Molecular Medicine, Mass General Brigham Personalized Medicine
Classification: Benign. Last evaluated: 2010-10-29. Review status: criteria provided, single submitter. Criteria: LMM Criteria. Collection method: clinical testing. Allele origin: germline. Observed: 308 variant alleles.
Comment: The c.3502-14dupT variant is classified as benign because it has been identified in 26.4% of total chromosomes, including 9873 homozygotes, by gnomAD